The following is an entry in ClinVar:

NM_020778.5(ALPK3):c.4649T>C (p.Met1550Thr)

Gene: ALPK3 (alpha kinase 3; plus strand). Cytogenetic location: 15q25.3.
Variant type: single nucleotide variant.
Coding change: c.4649T>C on transcript NM_020778.5 (MANE Select); coding-DNA position 4649, T replaced by C.
Protein change: p.Met1550Thr; replaces methionine 1550 with threonine.
Molecular consequence: missense variant.
Genome position (GRCh38, 1-based): chr15:84,864,591, T>C. VCF-style: chr15-84864591-T-C. GRCh37 (hg19) VCF-style: chr15-85407822-T-C.
Other names: short protein forms M1550T.
Identifiers: ClinVar variation 3375595 (VCV003375595.1).
Genomic context (GRCh38, chr15:84,864,591, plus strand): 5'-ACTGTTCTCGGGAATGGGGCTGTGCTGAGGCTCCGACAGCATCTGGCAGCTCTGAGGCCA[T>C]GCAGAAATGCCAGACCTTCCAACACTGGCTGTATCAGTGGACAAATGGCAGCTTCCTTGT-3'
Protein context (NP_065829.4, residues 1540-1560): APTASGSSEA[Met1550Thr]QKCQTFQHWL

ClinVar aggregate classification (germline): Uncertain significance (1 of 4 stars; one submission).

Submission:

GeneDx
Classification: Uncertain significance. Last evaluated: 2024-05-08. Review status: criteria provided, single submitter. Criteria: GeneDx Variant Classification Process June 2021. Collection method: clinical testing. Allele origin: germline. Affected: yes.
Comment: Has not been previously published as pathogenic or benign to our knowledge; Not observed at significant frequency in large population cohorts (gnomAD); In silico analysis indicates that this missense variant does not alter protein structure/function